The following is an entry in ClinVar:

ClinVar aggregate classification (germline): Likely pathogenic (1 of 4 stars; one submission).

Conditions:
Congenital hypotrichosis with juvenile macular dystrophy (HJMD). Also called: HYPOTRICHOSIS WITH CONE-ROD DYSTROPHY. Identifiers: Orphanet 1573, MedGen C1832162, MONDO:0011107, OMIM 601553.
EEM syndrome (EEMS). Identifiers: Orphanet 1897, MedGen C1857041, MONDO:0009155, OMIM 225280.

Submission:

Juno Genomics, Hangzhou Juno Genomics, Inc
Classification: Likely pathogenic for EEM syndrome; Congenital hypotrichosis with juvenile macular dystrophy. Review status: criteria provided, single submitter. Criteria: ACMG Guidelines, 2015. Collection method: clinical testing. Allele origin: germline.
Comment: Null variant in a gene where loss of function (LOF) is a known mechanism of disease.;Absent from controls (or at extremely low frequency if recessive) in Genome Aggregation Database.

NM_001793.6(CDH3):c.184G>T (p.Glu62Ter)

Gene: CDH3 (cadherin 3; plus strand). Cytogenetic location: 16q22.1.
Variant type: single nucleotide variant.
Coding change: c.184G>T on transcript NM_001793.6 (MANE Select); coding-DNA position 184, G replaced by T.
Protein change: p.Glu62Ter; replaces glutamic acid 62 with a stop codon.
Molecular consequence: nonsense.
Genome position (GRCh38, 1-based): chr16:68,676,408, G>T. VCF-style: chr16-68676408-G-T. GRCh37 (hg19) VCF-style: chr16-68710311-G-T.
Other names: c.184G>T, p.Glu62Ter (NM_001317195.3); c.19G>T, p.Glu7Ter (NM_001317196.2); short protein forms E62*, E7*.
Identifiers: ClinVar variation 5005619 (VCV005005619.2).